The following is an entry in ClinVar:

ClinVar aggregate classification (germline): Likely pathogenic (1 of 4 stars; one submission).

Conditions:
Hereditary cancer-predisposing syndrome. Also called: Neoplastic Syndromes, Hereditary; Tumor predisposition; Hereditary Cancer Syndrome; Hereditary neoplastic syndrome. Identifiers: Orphanet 140162, MedGen C0027672, MeSH D009386, MONDO:0015356.

Submission:

Ambry Genetics
Classification: Likely pathogenic for Hereditary cancer-predisposing syndrome. Last evaluated: 2021-05-20. Review status: criteria provided, single submitter. Criteria: Ambry Variant Classification Scheme 2023. Collection method: clinical testing. Allele origin: germline.
Comment: The c.56delC variant, located in coding exon 2 of the MRE11A gene, results from a deletion of one nucleotide at nucleotide position 56, causing a translational frameshift with a predicted alternate stop codon (p.T19Kfs*20). The predicted stop codon occurs within the first 150 nucleotides of theMRE11A gene. This alteration may escape nonsense-mediated mRNAdecay and/or be rescued by re-initiation (Rivas et al. Science. 2015 May 8;348(6235):666-9; Lindeboom et al. Nat Genet. 2016 Oct;48(10):1112-8; Rhee et al. Sci Rep. 2017 May 10;7(1):1653). However, the impacted region is critical for protein function (Ambry internal data). Based on the majority of available evidence to date, this variant is likely to be pathogenic.

NM_005591.4(MRE11):c.56del (p.Thr19fs)

Gene: MRE11 (MRE11 double strand break repair nuclease; minus strand). Cytogenetic location: 11q21.
Variant type: Deletion.
Coding change: c.56del on transcript NM_005591.4 (MANE Select); coding-DNA position 56, one base deleted (C; older notation c.56delC).
Protein change: p.Thr19fs; shifts the reading frame from threonine 19.
Molecular consequence: frameshift variant.
Genome position (GRCh38, 1-based): chr11:94,490,930, G deleted on the plus strand (C on the coding strand, the reverse complement: MRE11 is on the minus strand). VCF-style (leftmost placement, unchanged base first): chr11-94490929-TG-T. GRCh37 (hg19) VCF-style: chr11-94224095-TG-T.
Other names: c.56del, p.Thr19fs (NM_001330347.2, NM_005590.4); short protein forms T19fs.
Identifiers: ClinVar variation 1799584 (VCV001799584.2), dbSNP rs2496653611, ClinGen allele CA2580085075.